The following is an entry in ClinVar:

NM_206933.4(USH2A):c.14350G>T (p.Glu4784Ter)

Gene: USH2A (usherin; minus strand). Cytogenetic location: 1q41.
Variant type: single nucleotide variant.
Coding change: c.14350G>T on transcript NM_206933.4 (MANE Select); coding-DNA position 14350, G replaced by T.
Protein change: p.Glu4784Ter; replaces glutamic acid 4784 with a stop codon.
Molecular consequence: nonsense.
Genome position (GRCh38, 1-based): chr1:215,648,760, C>A on the plus strand (G>T on the coding strand, the complement: USH2A is on the minus strand). VCF-style: chr1-215648760-C-A. GRCh37 (hg19) VCF-style: chr1-215822102-C-A.
Other names: short protein forms E4784*.
Identifiers: ClinVar variation 236529 (VCV000236529.8), dbSNP rs746837034, ClinGen allele CA10581634.

ClinVar aggregate classification (germline): Pathogenic/Likely pathogenic. Review status: criteria provided, multiple submitters, no conflicts (2 of 4 stars). 4 submissions from 4 submitters: Pathogenic (2); Likely pathogenic (1). 1 of the submissions does not count toward it. Last evaluated 2025-05-29.

Conditions:
USH2A-related disorder. Also called: USH2A-related condition; USH2A-related disorders. Identifiers: MedGen CN239332.
Retinal dystrophy. Also called: Inherited retinal dystrophy. Identifiers: Orphanet 71862, MedGen C0854723, MeSH D058499, MONDO:0019118, HP:0000556.
Usher syndrome type 2A. Also called: RETINAL DISEASE IN USHER SYNDROME TYPE IIA, MODIFIER OF; USHER SYNDROME, TYPE IIA. Identifiers: Orphanet 231178, Orphanet 886, MedGen C1848634, MONDO:0010169, OMIM 276901.

Submissions (4):

Myriad Genetics, Inc.
Classification: Pathogenic for USH2A-related disorder. Last evaluated: 2025-05-29. Review status: criteria provided, single submitter. Criteria: Myriad Autosomal Dominant, Autosomal Recessive and X-Linked Classification Criteria (2023). Collection method: clinical testing. Allele origin: unknown.
Comment: NM_206933.2(USH2A):c.14350G>T(E4784*) is a nonsense variant classified as pathogenic in the context of USH2A-related disorders. E4784* has been observed in a case with relevant disease (PMID: 39643591). Relevant functional assessments of this variant are not available in the literature. E4784* has not been observed in referenced population frequency databases. In summary, NM_206933.2(USH2A):c.14350G>T(E4784*) is a nonsense variant that has been observed more frequently in cases with the relevant disease than in healthy populations. Please note: this variant was assessed in the context of healthy population screening.

Natera, Inc.
Classification: Likely pathogenic for Usher syndrome type 2A. Last evaluated: 2024-07-03. Review status: criteria provided, single submitter. Criteria: Natera Variant Classification Schema (03/2026). Collection method: clinical testing. Allele origin: germline.
Comment: The c.14350G>T variant in USH2A is a nonsense variant predicted to introduce a stop codon at amino acid 4784. This variant is expected to result in nonsense mediated decay, truncation, or a dysfunctional protein product. This variant is rare in the general population with a frequency below the threshold expected for the associated phenotype(s). Given the available evidence, this variant is classified as Likely Pathogenic.

Labcorp Genetics (formerly Invitae), Labcorp
Classification: Pathogenic. Last evaluated: 2021-12-22. Review status: criteria provided, single submitter. Criteria: Invitae Variant Classification Sherloc (09022015). Collection method: clinical testing. Allele origin: germline.
Comment: ClinVar contains an entry for this variant (Variation ID: 236529). For these reasons, this variant has been classified as Pathogenic. This variant is not present in population databases (gnomAD no frequency). This premature translational stop signal has been observed in individual(s) with clinical features of Usher syndrome (PMID: 27208204). This sequence change creates a premature translational stop signal (p.Glu4784*) in the USH2A gene. It is expected to result in an absent or disrupted protein product. Loss-of-function variants in USH2A are known to be pathogenic (PMID: 10729113, 10909849, 20507924, 25649381).

Centre for Genomic Medicine, Manchester, Central Manchester University Hospitals
Classification: Likely pathogenic for Retinal dystrophy. Review status: no assertion criteria provided. Collection method: clinical testing. Allele origin: germline. Affected: yes. Not counted in ClinVar's aggregate classification.

Literature cited by the submitters: PubMed 39643591 (cited by Myriad Genetics, Inc.); PubMed 27208204 (cited by Labcorp Genetics (formerly Invitae), Labcorp); PubMed 10729113 (cited by Labcorp Genetics (formerly Invitae), Labcorp); PubMed 10909849 (cited by Labcorp Genetics (formerly Invitae), Labcorp); PubMed 20507924 (cited by Labcorp Genetics (formerly Invitae), Labcorp); PubMed 25649381 (cited by Labcorp Genetics (formerly Invitae), Labcorp).